The following is an entry in ClinVar:

ClinVar aggregate classification (germline): Uncertain significance (1 of 4 stars; one submission).

gnomAD v4.1: 8 of 1,612,950 alleles (0.0005%); highest among the groups gnomAD compares: Admixed American, 0.01%; no homozygotes.

Submission:

Labcorp Genetics (formerly Invitae), Labcorp
Classification: Uncertain significance. Last evaluated: 2023-12-20. Review status: criteria provided, single submitter. Criteria: Invitae Variant Classification Sherloc (09022015). Collection method: clinical testing. Allele origin: germline.
Comment: This sequence change replaces alanine, which is neutral and non-polar, with glycine, which is neutral and non-polar, at codon 247 of the COL11A1 protein (p.Ala247Gly). This variant is not present in population databases (gnomAD no frequency). This variant has not been reported in the literature in individuals affected with COL11A1-related conditions. ClinVar contains an entry for this variant (Variation ID: 1502388). Advanced modeling of protein sequence and biophysical properties (such as structural, functional, and spatial information, amino acid conservation, physicochemical variation, residue mobility, and thermodynamic stability) performed at Invitae indicates that this missense variant is not expected to disrupt COL11A1 protein function with a negative predictive value of 95%. In summary, the available evidence is currently insufficient to determine the role of this variant in disease. Therefore, it has been classified as a Variant of Uncertain Significance.

NM_001854.4(COL11A1):c.740C>G (p.Ala247Gly)

Gene: COL11A1 (collagen type XI alpha 1 chain; minus strand). Cytogenetic location: 1p21.1.
Variant type: single nucleotide variant.
Coding change: c.740C>G on transcript NM_001854.4 (MANE Select); coding-DNA position 740, C replaced by G.
Protein change: p.Ala247Gly; replaces alanine 247 with glycine.
Molecular consequence: missense variant. On other transcripts: non-coding transcript variant (1).
Genome position (GRCh38, 1-based): chr1:103,031,156, G>C on the plus strand (C>G on the coding strand, the complement: COL11A1 is on the minus strand). VCF-style: chr1-103031156-G-C. GRCh37 (hg19) VCF-style: chr1-103496712-G-C.
Other names: c.740C>G, p.Ala247Gly (NM_001190709.2, NM_080629.3, NM_080630.4); short protein forms A247G.
Identifiers: ClinVar variation 1502388 (VCV001502388.6), dbSNP rs773180523, ClinGen allele CA341159405.